The following is an entry in ClinVar:

NM_001312673.2(PCYT1A):c.709-1G>C

Gene: PCYT1A (phosphate cytidylyltransferase 1A, choline; minus strand). Cytogenetic location: 3q29.
Variant type: single nucleotide variant.
Coding change: c.709-1G>C on transcript NM_001312673.2 (MANE Select); the canonical splice acceptor site of the intron before coding-DNA position 709, G replaced by C.
Molecular consequence: splice acceptor variant.
Genome position (GRCh38, 1-based): chr3:196,239,736, C>G on the plus strand (G>C on the coding strand, the complement: PCYT1A is on the minus strand). VCF-style: chr3-196239736-C-G. GRCh37 (hg19) VCF-style: chr3-195966607-C-G.
Other names: c.709-1G>C (NM_005017.4).
Identifiers: ClinVar variation 2116053 (VCV002116053.4), dbSNP rs2474016905, ClinGen allele CA355609303.

ClinVar aggregate classification (germline): Uncertain significance (1 of 4 stars; one submission).

Allele frequency attached by ClinVar (database versions not stated): gnomAD exomes below 0.00001.
gnomAD v4.1: 1 of 1,589,580 alleles (0.000063%); highest among the groups gnomAD compares: Non-Finnish European, 0.000086%; no homozygotes.

Submission:

Labcorp Genetics (formerly Invitae), Labcorp
Classification: Uncertain significance. Last evaluated: 2022-08-16. Review status: criteria provided, single submitter. Criteria: Invitae Variant Classification Sherloc (09022015). Collection method: clinical testing. Allele origin: germline.
Comment: This sequence change affects an acceptor splice site in intron 8 of the PCYT1A gene. It is expected to disrupt RNA splicing. Variants that disrupt the donor or acceptor splice site typically lead to a loss of protein function (PMID: 16199547), however the current clinical and genetic evidence is not sufficient to establish whether loss-of-function variants in PCYT1A cause disease. This variant is not present in population databases (gnomAD no frequency). This variant has not been reported in the literature in individuals affected with PCYT1A-related conditions. Algorithms developed to predict the effect of sequence changes on RNA splicing suggest that this variant may disrupt the consensus splice site. In summary, the available evidence is currently insufficient to determine the role of this variant in disease. Therefore, it has been classified as a Variant of Uncertain Significance.

Literature cited by the submitters: PubMed 16199547.